The following is an entry in ClinVar:

ClinVar aggregate classification (germline): Uncertain significance. Review status: criteria provided, multiple submitters, no conflicts (2 of 4 stars). 3 submissions from 3 submitters: Uncertain significance (3). Last evaluated 2024-07-15.

Conditions:
Ataxia-pancytopenia syndrome (ATXPC). Also called: SAMD9L-Related Syndrome; SAMD9L Ataxia-Pancytopenia Syndrome. Identifiers: Orphanet 2585, MedGen C1327919, MONDO:0008038, OMIM 159550.
Monosomy 7 myelodysplasia and leukemia syndrome 1. Also called: CHROMOSOME 7q DELETION; Familial Mosaic Monosomy 7 Syndrome; Monosomy 7 of bone marrow. Identifiers: MedGen C1854978, MONDO:0009646, OMIM 252270.
Spinocerebellar ataxia 49 (SCA49). Identifiers: Orphanet 631106, MedGen C5676950, MONDO:0030805, OMIM 619806.

Submissions (3):

Labcorp Genetics (formerly Invitae), Labcorp
Classification: Uncertain significance. Last evaluated: 2024-07-15. Review status: criteria provided, single submitter. Criteria: Invitae Variant Classification Sherloc (09022015). Collection method: clinical testing. Allele origin: germline.
Comment: This sequence change creates a premature translational stop signal (p.Asp330Ilefs*14) in the SAMD9L gene. While this is not anticipated to result in nonsense mediated decay, it is expected to disrupt the last 1255 amino acid(s) of the SAMD9L protein. This variant is present in population databases (rs762236274, gnomAD 0.002%). This variant has not been reported in the literature in individuals affected with SAMD9L-related conditions. ClinVar contains an entry for this variant (Variation ID: 1320750). Experimental studies and prediction algorithms are not available or were not evaluated, and the functional significance of this variant is currently unknown. In summary, the available evidence is currently insufficient to determine the role of this variant in disease. Therefore, it has been classified as a Variant of Uncertain Significance.

Fulgent Genetics
Classification: Uncertain significance for Ataxia-pancytopenia syndrome; Monosomy 7 myelodysplasia and leukemia syndrome 1; Spinocerebellar ataxia 49. Last evaluated: 2024-01-03. Review status: criteria provided, single submitter. Criteria: ACMG Guidelines, 2015. Collection method: clinical testing. Allele origin: germline.

GeneDx
Classification: Uncertain significance. Last evaluated: 2020-08-10. Review status: criteria provided, single submitter. Criteria: GeneDx Variant Classification Process June 2021. Collection method: clinical testing. Allele origin: germline. Affected: yes.
Comment: Not observed at a significant frequency in large population cohorts (Lek et al., 2016); Frameshift variant predicted to result in protein truncation or nonsense mediated decay in a gene for which loss-of-function is not a known mechanism of disease; Has not been previously published as pathogenic or benign to our knowledge

NM_152703.5(SAMD9L):c.987del (p.Asp330fs)

Gene: SAMD9L (sterile alpha motif domain containing 9 like; minus strand). Cytogenetic location: 7q21.2.
Variant type: Deletion.
Coding change: c.987del on transcript NM_152703.5 (MANE Select); coding-DNA position 987, one base deleted (A; older notation c.987delA).
Protein change: p.Asp330fs; shifts the reading frame from aspartic acid 330.
Molecular consequence: frameshift variant.
Genome position (GRCh38, 1-based): chr7:93,134,985, T deleted on the plus strand (A on the coding strand, the reverse complement: SAMD9L is on the minus strand); the first of 3 consecutive T bases (chr7:93,134,985-93,134,987); deleting any one gives the same sequence. VCF-style (leftmost placement, unchanged base first): chr7-93134984-CT-C. GRCh37 (hg19) VCF-style: chr7-92764297-CT-C.
Other names: c.987del, p.Asp330fs (NM_001303496.3, NM_001303497.3, NM_001303498.3 and 5 more transcripts); short protein forms D330fs.
Identifiers: ClinVar variation 1320750 (VCV001320750.8), dbSNP rs762236274, ClinGen allele CA4343783.